The following is an entry in ClinVar:

NM_000275.3(OCA2):c.1752C>G (p.His584Gln)

Gene: OCA2 (OCA2 melanosomal transmembrane protein; minus strand). Cytogenetic location: 15q13.1.
Variant type: single nucleotide variant.
Coding change: c.1752C>G on transcript NM_000275.3 (MANE Select); coding-DNA position 1752, C replaced by G.
Protein change: p.His584Gln; replaces histidine 584 with glutamine.
Molecular consequence: missense variant.
Genome position (GRCh38, 1-based): chr15:27,957,620, G>C on the plus strand (C>G on the coding strand, the complement: OCA2 is on the minus strand). VCF-style: chr15-27957620-G-C. GRCh37 (hg19) VCF-style: chr15-28202766-G-C.
Other names: c.1680C>G, p.His560Gln (NM_001300984.2); short protein forms H560Q, H584Q.
Identifiers: ClinVar variation 1994544 (VCV001994544.4), dbSNP rs151225947, ClinGen allele CA391365633.

ClinVar aggregate classification (germline): Uncertain significance (1 of 4 stars; one submission).

Submission:

Labcorp Genetics (formerly Invitae), Labcorp
Classification: Uncertain significance. Last evaluated: 2022-05-22. Review status: criteria provided, single submitter. Criteria: Invitae Variant Classification Sherloc (09022015). Collection method: clinical testing. Allele origin: germline.
Comment: This sequence change replaces histidine, which is basic and polar, with glutamine, which is neutral and polar, at codon 584 of the OCA2 protein (p.His584Gln). This variant is not present in population databases (gnomAD no frequency). This variant has not been reported in the literature in individuals affected with OCA2-related conditions. Advanced modeling of protein sequence and biophysical properties (such as structural, functional, and spatial information, amino acid conservation, physicochemical variation, residue mobility, and thermodynamic stability) performed at Invitae indicates that this missense variant is not expected to disrupt OCA2 protein function. In summary, the available evidence is currently insufficient to determine the role of this variant in disease. Therefore, it has been classified as a Variant of Uncertain Significance.